The following is an entry in ClinVar:

NM_153252.5(BRWD3):c.1227G>A (p.Met409Ile)

Gene: BRWD3 (bromodomain and WD repeat domain containing 3; minus strand). Cytogenetic location: Xq21.1.
Variant type: single nucleotide variant.
Coding change: c.1227G>A on transcript NM_153252.5 (MANE Select); coding-DNA position 1227, G replaced by A.
Protein change: p.Met409Ile; replaces methionine 409 with isoleucine.
Molecular consequence: missense variant.
Genome position (GRCh38, 1-based): chrX:80,729,921, C>T on the plus strand (G>A on the coding strand, the complement: BRWD3 is on the minus strand). VCF-style: chrX-80729921-C-T. GRCh37 (hg19) VCF-style: chrX-79985420-C-T.
Other names: short protein forms M409I.
Identifiers: ClinVar variation 1754556 (VCV001754556.6), dbSNP rs1418400050, ClinGen allele CA413635703.

ClinVar aggregate classification (germline): Uncertain significance. Review status: criteria provided, multiple submitters, no conflicts (2 of 4 stars). 2 submissions from 2 submitters: Uncertain significance (2). Last evaluated 2025-05-17.

Conditions:
Inborn genetic diseases. Identifiers: MedGen C0950123, MeSH D030342.

Allele frequency attached by ClinVar (database versions not stated): gnomAD exomes below 0.00001.
gnomAD v4.1: 2 of 1,170,999 alleles (0.00017%); highest among the groups gnomAD compares: Admixed American, 0.0044%; no homozygotes.

Submissions (2):

Ambry Genetics
Classification: Uncertain significance for Inborn genetic diseases. Last evaluated: 2025-05-17. Review status: criteria provided, single submitter. Criteria: Ambry Variant Classification Scheme 2023. Collection method: clinical testing. Allele origin: germline.

Labcorp Genetics (formerly Invitae), Labcorp
Classification: Uncertain significance. Last evaluated: 2023-02-21. Review status: criteria provided, single submitter. Criteria: Invitae Variant Classification Sherloc (09022015). Collection method: clinical testing. Allele origin: germline.
Comment: In summary, the available evidence is currently insufficient to determine the role of this variant in disease. Therefore, it has been classified as a Variant of Uncertain Significance. Advanced modeling of protein sequence and biophysical properties (such as structural, functional, and spatial information, amino acid conservation, physicochemical variation, residue mobility, and thermodynamic stability) performed at Invitae indicates that this missense variant is not expected to disrupt BRWD3 protein function. ClinVar contains an entry for this variant (Variation ID: 1754556). This variant has not been reported in the literature in individuals affected with BRWD3-related conditions. This variant is present in population databases (no rsID available, gnomAD 0.004%). This sequence change replaces methionine, which is neutral and non-polar, with isoleucine, which is neutral and non-polar, at codon 409 of the BRWD3 protein (p.Met409Ile).